The following is an entry in ClinVar:

NM_032531.4(KIRREL3):c.622A>G (p.Ile208Val)

Gene: KIRREL3 (kirre like nephrin family adhesion molecule 3; minus strand). Cytogenetic location: 11q24.2.
Variant type: single nucleotide variant.
Coding change: c.622A>G on transcript NM_032531.4 (MANE Select); coding-DNA position 622, A replaced by G.
Protein change: p.Ile208Val; replaces isoleucine 208 with valine.
Molecular consequence: missense variant.
Genome position (GRCh38, 1-based): chr11:126,463,277, T>C on the plus strand (A>G on the coding strand, the complement: KIRREL3 is on the minus strand). VCF-style: chr11-126463277-T-C. GRCh37 (hg19) VCF-style: chr11-126333172-T-C.
Other names: c.622A>G, p.Ile208Val (NM_001161707.2, NM_001301097.2); short protein forms I208V.
Identifiers: ClinVar variation 391196 (VCV000391196.3), dbSNP rs1057524001, ClinGen allele CA16606196.

ClinVar aggregate classification (germline): Uncertain significance (1 of 4 stars; one submission).

Submission:

GeneDx
Classification: Uncertain significance. Last evaluated: 2019-08-18. Review status: criteria provided, single submitter. Criteria: GeneDx Variant Classification Process June 2021. Collection method: clinical testing. Allele origin: germline. Affected: yes.
Comment: Not observed in large population cohorts (Lek et al., 2016); In silico analysis, which includes protein predictors and evolutionary conservation, supports that this variant does not alter protein structure/function; Has not been previously published as pathogenic or benign to our knowledge